The following is an entry in ClinVar:

ClinVar aggregate classification (germline): Uncertain significance (1 of 4 stars; one submission).

Allele frequency attached by ClinVar (database versions not stated): gnomAD exomes below 0.00001.
gnomAD v4.1: 2 of 1,612,866 alleles (0.00012%); highest among the groups gnomAD compares: Non-Finnish European, 0.000085%; no homozygotes.

Submission:

Labcorp Genetics (formerly Invitae), Labcorp
Classification: Uncertain significance. Last evaluated: 2024-09-05. Review status: criteria provided, single submitter. Criteria: Invitae Variant Classification Sherloc (09022015). Collection method: clinical testing. Allele origin: germline.
Comment: This sequence change replaces phenylalanine, which is neutral and non-polar, with serine, which is neutral and polar, at codon 95 of the CIB1 protein (p.Phe95Ser). This variant is present in population databases (no rsID available, gnomAD 0.0009%). This variant has not been reported in the literature in individuals affected with CIB1-related conditions. ClinVar contains an entry for this variant (Variation ID: 1482478). Experimental studies and prediction algorithms are not available or were not evaluated, and the functional significance of this variant is currently unknown. In summary, the available evidence is currently insufficient to determine the role of this variant in disease. Therefore, it has been classified as a Variant of Uncertain Significance.

NM_006384.4(CIB1):c.164T>C (p.Phe55Ser)

Gene: CIB1 (calcium and integrin binding 1; minus strand). Cytogenetic location: 15q26.1.
Variant type: single nucleotide variant.
Coding change: c.164T>C on transcript NM_006384.4 (MANE Select); coding-DNA position 164, T replaced by C.
Protein change: p.Phe55Ser; replaces phenylalanine 55 with serine.
Molecular consequence: missense variant. On other transcripts: non-coding transcript variant (2).
Genome position (GRCh38, 1-based): chr15:90,232,250, A>G on the plus strand (T>C on the coding strand, the complement: CIB1 is on the minus strand). VCF-style: chr15-90232250-A-G. GRCh37 (hg19) VCF-style: chr15-90775482-A-G.
Other names: c.284T>C, p.Phe95Ser (NM_001277764.2); short protein forms F55S, F95S.
Identifiers: ClinVar variation 1482478 (VCV001482478.8), dbSNP rs979925740, ClinGen allele CA274660820.